The following is an entry in ClinVar:

NM_030962.4(SBF2):c.506G>A (p.Gly169Glu)

Gene: SBF2 (SET binding factor 2; minus strand). Cytogenetic location: 11p15.4.
Variant type: single nucleotide variant.
Coding change: c.506G>A on transcript NM_030962.4 (MANE Select); coding-DNA position 506, G replaced by A.
Protein change: p.Gly169Glu; replaces glycine 169 with glutamic acid.
Molecular consequence: missense variant.
Genome position (GRCh38, 1-based): chr11:10,029,772, C>T on the plus strand (G>A on the coding strand, the complement: SBF2 is on the minus strand). VCF-style: chr11-10029772-C-T. GRCh37 (hg19) VCF-style: chr11-10051319-C-T.
Other names: c.506G>A, p.Gly169Glu (NM_001386339.1, NM_001386342.1); short protein forms G169E.
Identifiers: ClinVar variation 998660 (VCV000998660.9), dbSNP rs1949186665, ClinGen allele CA379646127.

ClinVar aggregate classification (germline): Uncertain significance (1 of 4 stars; one submission).

Conditions:
Charcot-Marie-Tooth disease type 4. Also called: Charcot-Marie-Tooth disease, type IV; Charcot-Marie-Tooth, Type 4. Identifiers: Orphanet 64749, MedGen C4082197, MONDO:0018995.

Allele frequency attached by ClinVar (database versions not stated): TOPMed below 0.00001; gnomAD exomes 0.00001.
gnomAD v4.1: 8 of 1,608,284 alleles (0.0005%); highest among the groups gnomAD compares: Non-Finnish European, 0.0006%; no homozygotes.

Submission:

Labcorp Genetics (formerly Invitae), Labcorp
Classification: Uncertain significance for Charcot-Marie-Tooth disease type 4. Last evaluated: 2020-07-12. Review status: criteria provided, single submitter. Criteria: Invitae Variant Classification Sherloc (09022015). Collection method: clinical testing. Allele origin: germline.
Comment: This sequence change replaces glycine with glutamic acid at codon 169 of the SBF2 protein (p.Gly169Glu). The glycine residue is highly conserved and there is a moderate physicochemical difference between glycine and glutamic acid. This variant is not present in population databases (ExAC no frequency). This variant has not been reported in the literature in individuals with SBF2-related conditions. Algorithms developed to predict the effect of missense changes on protein structure and function are either unavailable or do not agree on the potential impact of this missense change (SIFT: "Tolerated"; PolyPhen-2: "Probably Damaging"; Align-GVGD: "Class C0"). In summary, the available evidence is currently insufficient to determine the role of this variant in disease. Therefore, it has been classified as a Variant of Uncertain Significance.